The following is an entry in ClinVar:

NM_173630.4(RTTN):c.4454A>G (p.His1485Arg)

Gene: RTTN (rotatin; minus strand). Cytogenetic location: 18q22.2.
Variant type: single nucleotide variant.
Coding change: c.4454A>G on transcript NM_173630.4 (MANE Select); coding-DNA position 4454, A replaced by G.
Protein change: p.His1485Arg; replaces histidine 1485 with arginine.
Molecular consequence: missense variant.
Genome position (GRCh38, 1-based): chr18:70,075,462, T>C on the plus strand (A>G on the coding strand, the complement: RTTN is on the minus strand). VCF-style: chr18-70075462-T-C. GRCh37 (hg19) VCF-style: chr18-67742698-T-C.
Other names: c.1718A>G, p.His573Arg (NM_001318520.2); short protein forms H1485R, H573R.
Identifiers: ClinVar variation 1909714 (VCV001909714.4), dbSNP rs749785030, ClinGen allele CA8995245.
Genomic context (GRCh38, chr18:70,075,462, plus strand): 5'-TCAAACATACACCGTCCTAGGTAACAATGCTTTACCATCTGATTCAAATGTTCATAAAAA[T>C]GGCAGTGATATAAAAGAGCCTGAAGGGCAGGTTTTCCAATGAGCGATAGGCCAGAGTCCT-3'
Protein context (NP_775901.3, residues 1475-1495): PALQALLYHC[His1485Arg]FYEHLNQMVK

ClinVar aggregate classification (germline): Conflicting classifications of pathogenicity. Review status: criteria provided, conflicting classifications (1 of 4 stars). 2 submissions from 2 submitters: Uncertain significance (1); Likely benign (1). Last evaluated 2024-11-18.

Allele frequency attached by ClinVar (database versions not stated): ExAC 0.00002; gnomAD exomes 0.00002; gnomAD 0.00003; TOPMed 0.00005.
gnomAD v4.1: 38 of 1,608,990 alleles (0.0024%); highest among the groups gnomAD compares: African/African-American, 0.004%; no homozygotes.

Submissions (2):

Blueprint Genetics
Classification: Likely benign. Last evaluated: 2024-11-18. Review status: criteria provided, single submitter. Criteria: ACMG Guidelines, 2015. Collection method: clinical testing. Allele origin: germline.

Labcorp Genetics (formerly Invitae), Labcorp
Classification: Uncertain significance. Last evaluated: 2022-11-28. Review status: criteria provided, single submitter. Criteria: Invitae Variant Classification Sherloc (09022015). Collection method: clinical testing. Allele origin: germline.
Comment: In summary, the available evidence is currently insufficient to determine the role of this variant in disease. Therefore, it has been classified as a Variant of Uncertain Significance. Advanced modeling of protein sequence and biophysical properties (such as structural, functional, and spatial information, amino acid conservation, physicochemical variation, residue mobility, and thermodynamic stability) performed at Invitae indicates that this missense variant is not expected to disrupt RTTN protein function. This variant has not been reported in the literature in individuals affected with RTTN-related conditions. This variant is present in population databases (rs749785030, gnomAD 0.008%). This sequence change replaces histidine, which is basic and polar, with arginine, which is basic and polar, at codon 1485 of the RTTN protein (p.His1485Arg).